The following is an entry in ClinVar:

ClinVar aggregate classification (germline): Uncertain significance (1 of 4 stars; one submission).

Conditions:
Hereditary cancer-predisposing syndrome. Also called: Hereditary neoplastic syndrome; Neoplastic Syndromes, Hereditary; Tumor predisposition; Hereditary Cancer Syndrome. Identifiers: Orphanet 140162, MedGen C0027672, MeSH D009386, MONDO:0015356.

Submission:

Ambry Genetics
Classification: Uncertain significance for Hereditary cancer-predisposing syndrome. Last evaluated: 2025-03-14. Review status: criteria provided, single submitter. Criteria: Ambry Variant Classification Scheme 2023. Collection method: clinical testing. Allele origin: germline.
Comment: The p.I108V variant (also known as c.322A>G), located in coding exon 3 of the XRCC2 gene, results from an A to G substitution at nucleotide position 322. The isoleucine at codon 108 is replaced by valine, an amino acid with highly similar properties. This amino acid position is conserved. In addition, this alteration is predicted to be tolerated by in silico analysis. Based on the available evidence, the clinical significance of this variant remains unclear.

NM_005431.2(XRCC2):c.322A>G (p.Ile108Val)

Gene: XRCC2 (X-ray repair cross complementing 2; minus strand). Cytogenetic location: 7q36.1.
Variant type: single nucleotide variant.
Coding change: c.322A>G on transcript NM_005431.2 (MANE Select); coding-DNA position 322, A replaced by G.
Protein change: p.Ile108Val; replaces isoleucine 108 with valine.
Molecular consequence: missense variant.
Genome position (GRCh38, 1-based): chr7:152,649,163, T>C on the plus strand (A>G on the coding strand, the complement: XRCC2 is on the minus strand). VCF-style: chr7-152649163-T-C. GRCh37 (hg19) VCF-style: chr7-152346248-T-C.
Other names: short protein forms I108V.
Identifiers: ClinVar variation 3817852 (VCV003817852.1).